The following is an entry in ClinVar:

ClinVar aggregate classification (germline): Uncertain significance (1 of 4 stars; one submission).

Conditions:
Gorlin syndrome. Also called: Nevoid Basal Cell Carcinoma Syndrome; Basal cell nevus syndrome. Identifiers: Orphanet 377, MedGen C0004779, MONDO:0007187.

Submission:

Labcorp Genetics (formerly Invitae), Labcorp
Classification: Uncertain significance for Gorlin syndrome. Last evaluated: 2022-07-01. Review status: criteria provided, single submitter. Criteria: Invitae Variant Classification Sherloc (09022015). Collection method: clinical testing. Allele origin: germline.
Comment: In summary, the available evidence is currently insufficient to determine the role of this variant in disease. Therefore, it has been classified as a Variant of Uncertain Significance. Advanced modeling of protein sequence and biophysical properties (such as structural, functional, and spatial information, amino acid conservation, physicochemical variation, residue mobility, and thermodynamic stability) performed at Invitae indicates that this missense variant is not expected to disrupt PTCH1 protein function. This variant has not been reported in the literature in individuals affected with PTCH1-related conditions. This variant is not present in population databases (gnomAD no frequency). This sequence change replaces glutamic acid, which is acidic and polar, with glutamine, which is neutral and polar, at codon 1436 of the PTCH1 protein (p.Glu1436Gln).

NM_000264.5(PTCH1):c.4306G>C (p.Glu1436Gln)

Gene: PTCH1 (patched 1; minus strand). Cytogenetic location: 9q22.32.
Variant type: single nucleotide variant.
Coding change: c.4306G>C on transcript NM_000264.5 (MANE Select); coding-DNA position 4306, G replaced by C.
Protein change: p.Glu1436Gln; replaces glutamic acid 1436 with glutamine.
Molecular consequence: missense variant. On other transcripts: non-coding transcript variant (1).
Genome position (GRCh38, 1-based): chr9:95,446,950, C>G on the plus strand (G>C on the coding strand, the complement: PTCH1 is on the minus strand). VCF-style: chr9-95446950-C-G. GRCh37 (hg19) VCF-style: chr9-98209232-C-G.
Other names: c.4108G>C, p.Glu1370Gln (NM_001083602.3); c.4303G>C, p.Glu1435Gln (NM_001083603.3); c.3853G>C, p.Glu1285Gln (NM_001083604.3, NM_001083605.3, NM_001083606.3 and 1 more transcripts); c.4150G>C, p.Glu1384Gln (NM_001354918.2); short protein forms E1436Q, E1285Q, E1384Q, E1370Q, E1435Q.
Identifiers: ClinVar variation 2012642 (VCV002012642.4), dbSNP rs2537994186, ClinGen allele CA374109901.